The following is an entry in ClinVar:

ClinVar aggregate classification (germline): Uncertain significance (1 of 4 stars; one submission).

Allele frequency attached by ClinVar (database versions not stated): gnomAD exomes 0.00001.

Submission:

Labcorp Genetics (formerly Invitae), Labcorp
Classification: Uncertain significance. Last evaluated: 2025-09-15. Review status: criteria provided, single submitter. Criteria: Invitae Variant Classification Sherloc (09022015). Collection method: clinical testing. Allele origin: germline.
Comment: This sequence change replaces alanine, which is neutral and non-polar, with threonine, which is neutral and polar, at codon 380 of the TERF2IP protein (p.Ala380Thr). This variant is not present in population databases (gnomAD no frequency). This variant has not been reported in the literature in individuals affected with TERF2IP-related conditions. ClinVar contains an entry for this variant (Variation ID: 2794775). An algorithm developed to predict the effect of missense changes on protein structure and function outputs the following: PolyPhen-2: "Benign". The threonine amino acid residue is found in multiple mammalian species, which suggests that this missense change does not adversely affect protein function. In summary, the available evidence is currently insufficient to determine the role of this variant in disease. Therefore, it has been classified as a Variant of Uncertain Significance.

NM_018975.4(TERF2IP):c.1138G>A (p.Ala380Thr)

Gene: TERF2IP (TERF2 interacting protein; plus strand). Cytogenetic location: 16q23.1.
Variant type: single nucleotide variant.
Coding change: c.1138G>A on transcript NM_018975.4 (MANE Select); coding-DNA position 1138, G replaced by A.
Protein change: p.Ala380Thr; replaces alanine 380 with threonine.
Molecular consequence: missense variant. On other transcripts: non-coding transcript variant (1).
Genome position (GRCh38, 1-based): chr16:75,656,549, G>A. VCF-style: chr16-75656549-G-A. GRCh37 (hg19) VCF-style: chr16-75690447-G-A.
Other names: short protein forms A380T.
Identifiers: ClinVar variation 2794775 (VCV002794775.3), dbSNP rs891866868, ClinGen allele CA284340294.